The following is an entry in ClinVar:

NM_001130987.2(DYSF):c.5939A>T (p.Lys1980Met)

Gene: DYSF (dysferlin; plus strand). Cytogenetic location: 2p13.2.
Variant type: single nucleotide variant.
Coding change: c.5939A>T on transcript NM_001130987.2 (MANE Select); coding-DNA position 5939, A replaced by T.
Protein change: p.Lys1980Met; replaces lysine 1980 with methionine.
Molecular consequence: missense variant.
Genome position (GRCh38, 1-based): chr2:71,679,111, A>T. VCF-style: chr2-71679111-A-T. GRCh37 (hg19) VCF-style: chr2-71906241-A-T.
Other names: c.5825A>T, p.Lys1942Met (NM_001130455.2); c.5780A>T, p.Lys1927Met (NM_001130976.2); c.5843A>T, p.Lys1948Met (NM_001130977.2); c.5885A>T, p.Lys1962Met (NM_001130978.2); c.5915A>T, p.Lys1972Met (NM_001130979.2); c.5873A>T, p.Lys1958Met (NM_001130980.2); c.5936A>T, p.Lys1979Met (NM_001130981.2); c.5918A>T, p.Lys1973Met (NM_001130982.2); and 5 more; short protein forms K1941M, K1980M, K1948M, K1949M, K1958M, K1963M, K1927M, K1972M.
Identifiers: ClinVar variation 430535 (VCV000430535.2), dbSNP rs536703008, ClinGen allele CA1707554.

ClinVar aggregate classification (germline): Uncertain significance (1 of 4 stars; one submission).

Allele frequency attached by ClinVar (database versions not stated): ExAC 0.00002; 1000 Genomes Project 30x 0.00016; 1000 Genomes Project 0.00020.
gnomAD v4.1: 3 of 1,614,042 alleles (0.00019%); highest among the groups gnomAD compares: South Asian, 0.0033%; no homozygotes.

Submission:

GeneDx
Classification: Uncertain significance. Last evaluated: 2017-05-23. Review status: criteria provided, single submitter. Criteria: GeneDx Variant Classification (06012015). Collection method: clinical testing. Allele origin: germline. Affected: yes.
Comment: The K1941M variant in the DYSF gene has not been reported previously as a pathogenic variant, nor as a benign variant, to our knowledge. The K1941M variant is not observed at a significant frequency in large population cohorts (Lek et al., 2016; 1000 Genomes Consortium et al., 2015; Exome Variant Server). The K1941M variant is a non-conservative amino acid substitution, which is likely to impact secondary protein structure as these residues differ in polarity, charge, size and/or other properties. This substitution occurs at a position that is conserved across species. In silico analysis predicts this variant is probably damaging to the protein structure/function. A missense variant in a nearby residue (C1942G) has been reported in association with Miyoshi myopathy (Cagliani et al., 2005), supporting the functional importance of this region of the protein. We interpret K1941M as a variant of uncertain significance.